The following is an entry in ClinVar:

ClinVar aggregate classification (germline): Uncertain significance (1 of 4 stars; one submission).

Conditions:
Inborn genetic diseases. Identifiers: MedGen C0950123, MeSH D030342.

gnomAD v4.1: 2 of 1,558,644 alleles (0.00013%); highest among the groups gnomAD compares: South Asian, 0.0023%; no homozygotes.

Submission:

Ambry Genetics
Classification: Uncertain significance for Inborn genetic diseases. Last evaluated: 2026-04-30. Review status: criteria provided, single submitter. Criteria: Ambry Variant Classification Scheme 2023. Collection method: clinical testing. Allele origin: germline.
Comment: The p.H233Y variant (also known as c.697C>T), located in coding exon 3 of the LTBP3 gene, results from a C to T substitution at nucleotide position 697. The histidine at codon 233 is replaced by tyrosine, an amino acid with similar properties. This amino acid position is conserved. In addition, the in silico prediction for this alteration is inconclusive. Based on the available evidence, the clinical significance of this variant remains unclear.

NM_001130144.3(LTBP3):c.697C>T (p.His233Tyr)

Gene: LTBP3 (latent transforming growth factor beta binding protein 3; minus strand). Cytogenetic location: 11q13.1.
Variant type: single nucleotide variant.
Coding change: c.697C>T on transcript NM_001130144.3 (MANE Select); coding-DNA position 697, C replaced by T.
Protein change: p.His233Tyr; replaces histidine 233 with tyrosine.
Molecular consequence: missense variant.
Genome position (GRCh38, 1-based): chr11:65,553,868, G>A on the plus strand (C>T on the coding strand, the complement: LTBP3 is on the minus strand). VCF-style: chr11-65553868-G-A. GRCh37 (hg19) VCF-style: chr11-65321339-G-A.
Other names: c.346C>T, p.His116Tyr (NM_001164266.1); c.697C>T, p.His233Tyr (NM_021070.4); short protein forms H116Y, H233Y.
Identifiers: ClinVar variation 4859318 (VCV004859318.1).